The following is an entry in ClinVar:

NM_139027.6(ADAMTS13):c.987+11C>T

Gene: ADAMTS13 (ADAM metallopeptidase with thrombospondin type 1 motif 13; plus strand). Cytogenetic location: 9q34.2.
Variant type: single nucleotide variant.
Coding change: c.987+11C>T on transcript NM_139027.6 (MANE Select); 11 bases into the intron after coding-DNA position 987, C replaced by T.
Molecular consequence: intron variant.
Genome position (GRCh38, 1-based): chr9:133,430,112, C>T. VCF-style: chr9-133430112-C-T. GRCh37 (hg19) VCF-style: chr9-136295232-C-T.
Other names: c.987+11C>T (NM_139025.5); c.894+11C>T (NM_139026.6).
Identifiers: ClinVar variation 262455 (VCV000262455.22), dbSNP rs28729234, ClinGen allele CA10587031.

ClinVar aggregate classification (germline): Benign/Likely benign. Review status: criteria provided, multiple submitters, no conflicts (2 of 4 stars). 5 submissions from 5 submitters: Benign (3); Likely benign (2). Last evaluated 2026-02-04.

Allele frequency attached by ClinVar (database versions not stated): 1000 Genomes Project 0.04732; 1000 Genomes Project 30x 0.04763; TOPMed 0.08334; gnomAD 0.08893 and 0.09160; ESP Exome Variant Server 0.09102; ExAC 0.14000.

Submissions (5):

Labcorp Genetics (formerly Invitae), Labcorp
Classification: Benign. Last evaluated: 2026-02-04. Review status: criteria provided, single submitter. Criteria: Invitae Variant Classification Sherloc (09022015). Collection method: clinical testing. Allele origin: germline.

Blueprint Genetics
Classification: Likely benign. Last evaluated: 2024-11-27. Review status: criteria provided, single submitter. Criteria: ACMG Guidelines, 2015. Collection method: clinical testing. Allele origin: germline.

GeneDx
Classification: Benign. Last evaluated: 2020-02-17. Review status: criteria provided, single submitter. Criteria: GeneDx Variant Classification Process June 2021. Collection method: clinical testing. Allele origin: germline. Affected: yes.
Comment: This variant is associated with the following publications: (PMID: 25242241)

Breakthrough Genomics
Classification: Likely benign. Review status: criteria provided, single submitter. Criteria: ACMG Guidelines, 2015. Collection method: not provided. Allele origin: germline. Inheritance: Autosomal recessive inheritance. Affected: yes.

PreventionGenetics, part of Exact Sciences
Classification: Benign. Review status: criteria provided, single submitter. Criteria: ACMG Guidelines, 2015. Collection method: clinical testing. Allele origin: germline.